The following is an entry in ClinVar:

ClinVar aggregate classification (germline): Uncertain significance. Review status: criteria provided, multiple submitters, no conflicts (2 of 4 stars). 2 submissions from 2 submitters: Uncertain significance (2). Last evaluated 2025-02-22.

Conditions:
Inborn genetic diseases. Identifiers: MedGen C0950123, MeSH D030342.

gnomAD v4.1: 5 of 1,614,142 alleles (0.00031%); highest among the groups gnomAD compares: South Asian, 0.0033%; no homozygotes.

Submissions (2):

Ambry Genetics
Classification: Uncertain significance for Inborn genetic diseases. Last evaluated: 2025-02-22. Review status: criteria provided, single submitter. Criteria: Ambry Variant Classification Scheme 2023. Collection method: clinical testing. Allele origin: germline.

Labcorp Genetics (formerly Invitae), Labcorp
Classification: Uncertain significance. Last evaluated: 2024-08-21. Review status: criteria provided, single submitter. Criteria: Invitae Variant Classification Sherloc (09022015). Collection method: clinical testing. Allele origin: germline.
Comment: This sequence change replaces glutamic acid, which is acidic and polar, with lysine, which is basic and polar, at codon 1071 of the ERCC6 protein (p.Glu1071Lys). This variant is present in population databases (rs781029434, gnomAD 0.003%). This variant has not been reported in the literature in individuals affected with ERCC6-related conditions. Invitae Evidence Modeling of protein sequence and biophysical properties (such as structural, functional, and spatial information, amino acid conservation, physicochemical variation, residue mobility, and thermodynamic stability) indicates that this missense variant is not expected to disrupt ERCC6 protein function with a negative predictive value of 95%. In summary, the available evidence is currently insufficient to determine the role of this variant in disease. Therefore, it has been classified as a Variant of Uncertain Significance.

NM_000124.4(ERCC6):c.3211G>A (p.Glu1071Lys)

Gene: ERCC6 (ERCC excision repair 6, chromatin remodeling factor; minus strand). Cytogenetic location: 10q11.23.
Variant type: single nucleotide variant.
Coding change: c.3211G>A on transcript NM_000124.4 (MANE Select); coding-DNA position 3211, G replaced by A.
Protein change: p.Glu1071Lys; replaces glutamic acid 1071 with lysine.
Molecular consequence: missense variant.
Genome position (GRCh38, 1-based): chr10:49,470,749, C>T on the plus strand (G>A on the coding strand, the complement: ERCC6 is on the minus strand). VCF-style: chr10-49470749-C-T. GRCh37 (hg19) VCF-style: chr10-50678795-C-T.
Other names: c.3211G>A, p.Glu1071Lys (NM_001346440.2); short protein forms E1071K.
Identifiers: ClinVar variation 3617098 (VCV003617098.3).